The following is an entry in ClinVar:

NM_000080.4(CHRNE):c.309A>T (p.Glu103Asp)

Genes: C17orf107 (chromosome 17 open reading frame 107; plus strand), CHRNE (cholinergic receptor nicotinic epsilon subunit; minus strand). Cytogenetic location: 17p13.2.
Variant type: single nucleotide variant.
Coding change: c.309A>T on transcript NM_000080.4 (MANE Select); coding-DNA position 309, A replaced by T.
Protein change: p.Glu103Asp; replaces glutamic acid 103 with aspartic acid.
Molecular consequence: missense variant. On other transcripts: 3 prime UTR variant (1).
Genome position (GRCh38, 1-based): chr17:4,902,252, T>A on the plus strand (A>T on the coding strand, the complement: CHRNE is on the minus strand). VCF-style: chr17-4902252-T-A. GRCh37 (hg19) VCF-style: chr17-4805547-T-A.
Other names: c.*1719T>A (NM_001145536.2); short protein forms E103D.
Identifiers: ClinVar variation 420494 (VCV000420494.2), dbSNP rs1064794516, ClinGen allele CA16620466.

ClinVar aggregate classification (germline): Uncertain significance (1 of 4 stars; one submission).

Submission:

GeneDx
Classification: Uncertain significance. Last evaluated: 2018-07-03. Review status: criteria provided, single submitter. Criteria: GeneDx Variant Classification (06012015). Collection method: clinical testing. Allele origin: germline. Affected: yes.
Comment: The E103D variant in the CHRNE gene has not been reported previously as a pathogenic variant, nor as a benign variant, to our knowledge. The E103D variant was not observed in approximately 6,500 individuals of European and African American ancestry in the NHLBI Exome Sequencing Project, indicating it is not a common benign variant in these populations. The E103D variant is a conservative amino acid substitution, which is not likely to impact secondary protein structure as these residues share similar properties. This substitution occurs at a position that is not conserved, and in silico analysis predicts this variant likely does not alter the protein structure/function. We interpret E103D as a variant of uncertain significance.